The following is an entry in ClinVar:

ClinVar aggregate classification (germline): Uncertain significance (1 of 4 stars; one submission).

Submission:

Ambry Genetics
Classification: Uncertain significance. Last evaluated: 2024-11-04. Review status: criteria provided, single submitter. Criteria: Ambry Variant Classification Scheme 2023. Collection method: clinical testing. Allele origin: germline.
Comment: The p.A81S variant (also known as c.241G>T), located in coding exon 1 of the EGLN1 gene, results from a G to T substitution at nucleotide position 241. The alanine at codon 81 is replaced by serine, an amino acid with similar properties. This amino acid position is conserved. In addition, this alteration is predicted to be tolerated by in silico analysis. Since supporting evidence is limited at this time, the clinical significance of this alteration remains unclear.

NM_022051.3(EGLN1):c.241G>T (p.Ala81Ser)

Gene: EGLN1 (egl-9 family hypoxia inducible factor 1; minus strand). Cytogenetic location: 1q42.2.
Variant type: single nucleotide variant.
Coding change: c.241G>T on transcript NM_022051.3 (MANE Select); coding-DNA position 241, G replaced by T.
Protein change: p.Ala81Ser; replaces alanine 81 with serine.
Molecular consequence: missense variant.
Genome position (GRCh38, 1-based): chr1:231,421,648, C>A on the plus strand (G>T on the coding strand, the complement: EGLN1 is on the minus strand). VCF-style: chr1-231421648-C-A. GRCh37 (hg19) VCF-style: chr1-231557394-C-A.
Other names: c.241G>T, p.Ala81Ser (NM_001377260.1, NM_001377261.1); short protein forms A81S.
Identifiers: ClinVar variation 1791006 (VCV001791006.3), dbSNP rs2527361107, ClinGen allele CA345238331.